The following is an entry in ClinVar:

ClinVar aggregate classification (germline): Uncertain significance (1 of 4 stars; one submission).

Conditions:
TTN-related disorder. Also called: TTN-related disorders; TTN-related condition; TTN-related disease.

gnomAD v4.1: 6 of 1,612,164 alleles (0.00037%); highest among the groups gnomAD compares: Admixed American, 0.0017%; no homozygotes.

Submission:

PreventionGenetics, part of Exact Sciences
Classification: Uncertain significance for TTN-related condition. Last evaluated: 2026-07-21. Review status: criteria provided, single submitter. Criteria: ACMG Guidelines, 2015. Collection method: clinical testing. Allele origin: germline.
Comment: The TTN c.86269G>A variant is predicted to result in the amino acid substitution p.Asp28757Asn. To our knowledge, this variant has not been reported in the literature. This variant is reported in 2 alleles out of 247594 alleles in gnomAD. At this time, the clinical significance of this variant is uncertain due to the absence of conclusive functional and genetic evidence.

NM_001267550.2(TTN):c.86269G>A (p.Asp28757Asn)

Genes: TTN (titin; minus strand), TTN-AS1 (TTN antisense RNA 1; plus strand). Cytogenetic location: 2q31.2.
Variant type: single nucleotide variant.
Coding change: c.86269G>A on transcript NM_001267550.2 (MANE Select); coding-DNA position 86269, G replaced by A.
Protein change: p.Asp28757Asn; replaces aspartic acid 28757 with asparagine.
Molecular consequence: missense variant.
Genome position (GRCh38, 1-based): chr2:178,559,863, C>T on the plus strand (G>A on the coding strand, the complement: TTN is on the minus strand). VCF-style: chr2-178559863-C-T. GRCh37 (hg19) VCF-style: chr2-179424590-C-T.
Other names: c.81346G>A, p.Asp27116Asn (NM_001256850.1); c.59074G>A, p.Asp19692Asn (NM_003319.4); c.78565G>A, p.Asp26189Asn (NM_133378.4); c.59449G>A, p.Asp19817Asn (NM_133432.3); c.59650G>A, p.Asp19884Asn (NM_133437.4); short protein forms D19692N, D19817N, D19884N, D26189N, D27116N, D28757N.
Identifiers: ClinVar variation 4989124 (VCV004989124.1).